The following is an entry in ClinVar:

NM_001080409.3(ZNF99):c.2136A>G (p.Lys712=)

Gene: ZNF99 (zinc finger protein 99; minus strand). Cytogenetic location: 19p12.
Variant type: single nucleotide variant.
Coding change: c.2136A>G on transcript NM_001080409.3 (MANE Select); coding-DNA position 2136, A replaced by G.
Protein change: p.Lys712=; no amino-acid change (lysine 712 retained).
Molecular consequence: synonymous variant.
Genome position (GRCh38, 1-based): chr19:22,757,773, T>C on the plus strand (A>G on the coding strand, the complement: ZNF99 is on the minus strand). VCF-style: chr19-22757773-T-C. GRCh37 (hg19) VCF-style: chr19-22940575-T-C.
Identifiers: ClinVar variation 2649653 (VCV002649653.24), dbSNP rs554899706, ClinGen allele CA306649265.

ClinVar aggregate classification (germline): Likely benign (1 of 4 stars; one submission).

Allele frequency attached by ClinVar (database versions not stated): gnomAD 0.00003.

Submission:

CeGaT Center for Human Genetics Tuebingen
Classification: Likely benign. Last evaluated: 2024-12-01. Review status: criteria provided, single submitter. Criteria: CeGaT Center For Human Genetics Tuebingen Variant Classification Criteria Version 2. Collection method: clinical testing. Allele origin: germline. Affected: yes. Observed: 3 variant alleles.
Comment: ZNF99: BP4, BP7